The following is an entry in ClinVar:

ClinVar aggregate classification (germline): Uncertain significance (1 of 4 stars; one submission).

Conditions:
Inborn genetic diseases. Identifiers: MedGen C0950123, MeSH D030342.

gnomAD v4.1: 1 of 1,614,010 alleles (0.000062%); highest among the groups gnomAD compares: African/African-American, 0.0013%; no homozygotes.

Submission:

Ambry Genetics
Classification: Uncertain significance for Inborn genetic diseases. Last evaluated: 2025-05-24. Review status: criteria provided, single submitter. Criteria: Ambry Variant Classification Scheme 2023. Collection method: clinical testing. Allele origin: germline.
Comment: The p.D143Y variant (also known as c.427G>T), located in coding exon 1 of the SAMD9L gene, results from a G to T substitution at nucleotide position 427. The aspartic acid at codon 143 is replaced by tyrosine, an amino acid with highly dissimilar properties. This amino acid position is conserved. In addition, this alteration is predicted to be tolerated by in silico analysis. Based on the available evidence, the clinical significance of this variant remains unclear.

NM_152703.5(SAMD9L):c.427G>T (p.Asp143Tyr)

Gene: SAMD9L (sterile alpha motif domain containing 9 like; minus strand). Cytogenetic location: 7q21.2.
Variant type: single nucleotide variant.
Coding change: c.427G>T on transcript NM_152703.5 (MANE Select); coding-DNA position 427, G replaced by T.
Protein change: p.Asp143Tyr; replaces aspartic acid 143 with tyrosine.
Molecular consequence: missense variant.
Genome position (GRCh38, 1-based): chr7:93,135,545, C>A on the plus strand (G>T on the coding strand, the complement: SAMD9L is on the minus strand). VCF-style: chr7-93135545-C-A. GRCh37 (hg19) VCF-style: chr7-92764858-C-A.
Other names: c.427G>T, p.Asp143Tyr (NM_001303496.3, NM_001303497.3, NM_001303498.3 and 5 more transcripts); short protein forms D143Y.
Identifiers: ClinVar variation 3949957 (VCV003949957.1).